The following is an entry in ClinVar:

ClinVar aggregate classification (germline): Uncertain significance (1 of 4 stars; one submission).

Submission:

GeneDx
Classification: Uncertain significance. Last evaluated: 2024-01-07. Review status: criteria provided, single submitter. Criteria: GeneDx Variant Classification Process June 2021. Collection method: clinical testing. Allele origin: germline. Affected: yes.
Comment: Not observed at significant frequency in large population cohorts (gnomAD); In silico analysis supports that this missense variant has a deleterious effect on splicing; In silico analysis supports that this missense variant does not alter protein structure/function; Has not been previously published as pathogenic or benign to our knowledge

NM_001744.6(CAMK4):c.145G>A (p.Glu49Lys)

Gene: CAMK4 (calcium/calmodulin dependent protein kinase IV; plus strand). Cytogenetic location: 5q22.1.
Variant type: single nucleotide variant.
Coding change: c.145G>A on transcript NM_001744.6 (MANE Select); coding-DNA position 145, G replaced by A.
Protein change: p.Glu49Lys; replaces glutamic acid 49 with lysine.
Molecular consequence: missense variant. On other transcripts: 5 prime UTR variant (2).
Genome position (GRCh38, 1-based): chr5:111,224,628, G>A. VCF-style: chr5-111224628-G-A. GRCh37 (hg19) VCF-style: chr5-110560326-G-A.
Other names: c.145G>A, p.Glu49Lys (NM_001323374.2, NM_001323375.2); c.-301G>A (NM_001323376.2); c.-364G>A (NM_001323377.2); short protein forms E49K.
Identifiers: ClinVar variation 3367593 (VCV003367593.1).